The following is an entry in ClinVar:

NM_173851.3(SLC30A8):c.64C>T (p.Leu22=)

Gene: SLC30A8 (solute carrier family 30 member 8; plus strand). Cytogenetic location: 8q24.11.
Variant type: single nucleotide variant.
Coding change: c.64C>T on transcript NM_173851.3 (MANE Select); coding-DNA position 64, C replaced by T.
Protein change: p.Leu22=; no amino-acid change (leucine 22 retained).
Molecular consequence: synonymous variant. On other transcripts: 5 prime UTR variant (3), intron variant (1).
Genome position (GRCh38, 1-based): chr8:117,135,391, C>T. VCF-style: chr8-117135391-C-T. GRCh37 (hg19) VCF-style: chr8-118147630-C-T.
Other names: c.-114C>T (NM_001172813.2, NM_001172814.2, NM_001172815.3); c.-106-11428C>T (NM_001172811.2).
Identifiers: ClinVar variation 3033939 (VCV003033939.2), dbSNP rs555484215, ClinGen allele CA4853414.

ClinVar aggregate classification (germline): Likely benign (0 of 4 stars; one submission).

Conditions:
SLC30A8-related disorder. Also called: SLC30A8-related condition.

Allele frequency attached by ClinVar (database versions not stated): ExAC 0.00004; gnomAD 0.00004; TOPMed 0.00012; 1000 Genomes Project 30x 0.00016; 1000 Genomes Project 0.00020.
gnomAD v4.1: 22 of 1,594,862 alleles (0.0014%); highest among the groups gnomAD compares: African/African-American, 0.0094%; no homozygotes.

Submission:

PreventionGenetics, part of Exact Sciences
Classification: Likely benign for SLC30A8-related condition. Last evaluated: 2019-06-18. Review status: no assertion criteria provided. Collection method: clinical testing. Allele origin: germline.
Comment: This variant is classified as likely benign based on ACMG/AMP sequence variant interpretation guidelines (Richards et al. 2015 PMID: 25741868, with internal and published modifications).